The following is an entry in ClinVar:

ClinVar aggregate classification (germline): Likely pathogenic. Review status: reviewed by expert panel (3 of 4 stars). 2 submissions from 2 submitters: Likely pathogenic (1). 1 of the submissions does not count toward it. Last evaluated 2024-01-22.

Conditions:
Monogenic diabetes. Identifiers: Orphanet 183625, MedGen C3888631, MONDO:0015967.

Submissions (2):

ClinGen Monogenic Diabetes Variant Curation Expert Panel
Classification: Likely pathogenic for Monogenic diabetes. Last evaluated: 2024-01-22. Review status: reviewed by expert panel. Criteria: ClinGen Diabetes ACMG Specifications HNF1A V2.1.0. Collection method: curation. Allele origin: germline. Inheritance: Autosomal dominant inheritance.
Comment: The c.676A>G variant in the HNF1 homeobox A gene, HNF1A, causes an amino acid change of lysine to glutamic acid at codon 226 (p.(Lys226Glu)) of NM_000545.8. This variant is located within a conserved region of the DNA binding domain (codons 107-174 and 201-280) of HNF1A, which is defined as critical for the protein’s function by the ClinGen MDEP (PM1_Supporting). This variant is predicted to be deleterious by computational evidence, with a REVEL score of 0.815, which is greater than the MDEP VCEP threshold of 0.70 (PP3). This variant is absent from gnomAD v2.1.1 (PM2_Supporting), and identified in two unrelated individuals with non-autoimmune and non-absolute/near-absolute insulin-deficient diabetes; however, PS4_Moderate cannot be applied because this number is below the ClinGen MDEP threshold (PMID:18003757, internal lab contributors). One individual has a clinical history highly specific for HNF1A-MODY (MODY probability calculator result >50%, negative genetic testing for HNF4A, and negative antibodies) (PP4_Moderate; internal lab contributor). This variant segregated with diabetes, with at least four informative meioses in two families with MODY (PP1_Strong; internal lab contributors). In summary, c.676A>G meets the criteria to be classified as likely pathogenic for monogenic diabetes. ACMG/AMP criteria applied, as specified by the ClinGen MDEP (specification version 2.1.0, approved 8/11/2023): PP1_Strong, PP4_Moderate, PP3, PM1_Supporting, PM2_Supporting.

GeneDx
Classification: Likely pathogenic. Last evaluated: 2024-05-30. Review status: criteria provided, single submitter. Criteria: GeneDx Variant Classification Process June 2021. Collection method: clinical testing. Allele origin: germline. Affected: yes. Not counted in ClinVar's aggregate classification.
Comment: Not observed at significant frequency in large population cohorts (gnomAD); In silico analysis supports that this missense variant has a deleterious effect on protein structure/function; This variant is associated with the following publications: (PMID: 12453420, 18003757)

NM_000545.8(HNF1A):c.676A>G (p.Lys226Glu)

Gene: HNF1A (HNF1 homeobox A; plus strand). Cytogenetic location: 12q24.31.
Variant type: single nucleotide variant.
Coding change: c.676A>G on transcript NM_000545.8 (MANE Select); coding-DNA position 676, A replaced by G.
Protein change: p.Lys226Glu; replaces lysine 226 with glutamic acid.
Molecular consequence: missense variant.
Genome position (GRCh38, 1-based): chr12:120,993,669, A>G. VCF-style: chr12-120993669-A-G. GRCh37 (hg19) VCF-style: chr12-121431472-A-G.
Other names: NM_001306179.2:c.676A>G; c.676A>G, p.Lys226Glu (NM_001306179.2, NM_001406915.1); short protein forms K226E.
Identifiers: ClinVar variation 2691843 (VCV002691843.2), dbSNP rs2499995670, ClinGen allele CA386965032.